The following is an entry in ClinVar:

NM_001278064.2(GRM1):c.2707G>A (p.Val903Met)

Gene: GRM1 (glutamate metabotropic receptor 1; plus strand). Cytogenetic location: 6q24.3.
Variant type: single nucleotide variant.
Coding change: c.2707G>A on transcript NM_001278064.2 (MANE Select); coding-DNA position 2707, G replaced by A.
Protein change: p.Val903Met; replaces valine 903 with methionine.
Molecular consequence: missense variant. On other transcripts: 3 prime UTR variant (2).
Genome position (GRCh38, 1-based): chr6:146,433,918, G>A. VCF-style: chr6-146433918-G-A. GRCh37 (hg19) VCF-style: chr6-146755054-G-A.
Other names: c.*71G>A (NM_001278065.2); c.*36G>A (NM_001278066.1); c.2672G>A, p.Gly891Asp (NM_001278067.1); short protein forms G891D, V903M.
Identifiers: ClinVar variation 3351785 (VCV003351785.1).

ClinVar aggregate classification (germline): Uncertain significance (0 of 4 stars; one submission).

Conditions:
GRM1-related disorder. Also called: GRM1-related condition.

gnomAD v4.1: 1 of 1,613,884 alleles (0.000062%); highest among the groups gnomAD compares: African/African-American, 0.0013%; no homozygotes.

Submission:

PreventionGenetics, part of Exact Sciences
Classification: Uncertain significance for GRM1-related condition. Last evaluated: 2024-08-21. Review status: no assertion criteria provided. Collection method: clinical testing. Allele origin: germline.
Comment: The GRM1 c.2707G>A variant is predicted to result in the amino acid substitution p.Val903Met. To our knowledge, this variant has not been reported in the literature or in a large population database, indicating this variant is rare. At this time, the clinical significance of this variant is uncertain due to the absence of conclusive functional and genetic evidence.